The following is an entry in ClinVar:

ClinVar aggregate classification (germline): Uncertain significance (1 of 4 stars; one submission).

Conditions:
Ehlers-Danlos syndrome, classic type, 1 (EDSCL1). Also called: Ehlers-Danlos Syndrome, Classic Type, COL5A1-Related; EDS I; EHLERS-DANLOS SYNDROME, GRAVIS TYPE; EHLERS-DANLOS SYNDROME, SEVERE CLASSIC TYPE; Ehlers-Danlos syndrome, type 1. Identifiers: MedGen C0268335, MONDO:0019567, OMIM 130000.

gnomAD v4.1: 10 of 1,613,910 alleles (0.00062%); highest among the groups gnomAD compares: Non-Finnish European, 0.00085%; no homozygotes.

Submission:

Labcorp Genetics (formerly Invitae), Labcorp
Classification: Uncertain significance for Ehlers-Danlos syndrome, classic type, 1. Last evaluated: 2025-12-08. Review status: criteria provided, single submitter. Criteria: Invitae Variant Classification Sherloc (09022015). Collection method: clinical testing. Allele origin: germline.
Comment: This sequence change falls in intron 29 of the COL5A1 gene. It does not directly change the encoded amino acid sequence of the COL5A1 protein. It affects a nucleotide within the consensus splice site. This variant is not present in population databases (gnomAD no frequency). This variant has not been reported in the literature in individuals affected with COL5A1-related conditions. Variants that disrupt the consensus splice site are a relatively common cause of aberrant splicing (PMID: 17576681, 9536098). Algorithms developed to predict the effect of sequence changes on RNA splicing suggest that this variant may disrupt the consensus splice site. In summary, the available evidence is currently insufficient to determine the role of this variant in disease. Therefore, it has been classified as a Variant of Uncertain Significance.

Literature cited by the submitters: PubMed 17576681; PubMed 9536098.

NM_000093.5(COL5A1):c.2484+3G>C

Gene: COL5A1 (collagen type V alpha 1 chain; plus strand). Cytogenetic location: 9q34.3.
Variant type: single nucleotide variant.
Coding change: c.2484+3G>C on transcript NM_000093.5 (MANE Select); 3 bases into the intron after coding-DNA position 2484, G replaced by C.
Molecular consequence: intron variant.
Genome position (GRCh38, 1-based): chr9:134,782,723, G>C. VCF-style: chr9-134782723-G-C. GRCh37 (hg19) VCF-style: chr9-137674569-G-C.
Other names: c.2484+3G>C (NM_001278074.1).
Identifiers: ClinVar variation 4810108 (VCV004810108.1).